The following is an entry in ClinVar:

NM_001378778.1(MPDZ):c.739T>C (p.Ser247Pro)

Gene: MPDZ (multiple PDZ domain crumbs cell polarity complex component; minus strand). Cytogenetic location: 9p23.
Variant type: single nucleotide variant.
Coding change: c.739T>C on transcript NM_001378778.1 (MANE Select); coding-DNA position 739, T replaced by C.
Protein change: p.Ser247Pro; replaces serine 247 with proline.
Molecular consequence: missense variant.
Genome position (GRCh38, 1-based): chr9:13,222,241, A>G on the plus strand (T>C on the coding strand, the complement: MPDZ is on the minus strand). VCF-style: chr9-13222241-A-G. GRCh37 (hg19) VCF-style: chr9-13222240-A-G.
Other names: c.739T>C, p.Ser247Pro (NM_001261406.2, NM_001261407.2, NM_001330637.2 and 14 more transcripts); short protein forms S247P.
Identifiers: ClinVar variation 1443978 (VCV001443978.8), dbSNP rs1471970656, ClinGen allele CA372946589.
Genomic context (GRCh38, chr9:13,222,241, plus strand): 5'-AAAACAACTTGAAAAATACGTTCTGTTCCTTTTGAAAATTTTAGGTACTCACCGGATTAG[A>G]GTGAGCTGAAATTGTGCTGGCTGCAGATGGAGAACGGGAAACTATGGGGCTGACAAGCTG-3'
Protein context (NP_001365707.1, residues 237-257): PSAASTISAH[Ser247Pro]NPVHWQHMET

ClinVar aggregate classification (germline): Uncertain significance (1 of 4 stars; one submission).

Allele frequency attached by ClinVar (database versions not stated): gnomAD 0.00001; TOPMed 0.00001.
gnomAD v4.1: 8 of 1,612,090 alleles (0.0005%); highest among the groups gnomAD compares: Admixed American, 0.0017%; no homozygotes.

Submission:

Labcorp Genetics (formerly Invitae), Labcorp
Classification: Uncertain significance. Last evaluated: 2020-11-20. Review status: criteria provided, single submitter. Criteria: Invitae Variant Classification Sherloc (09022015). Collection method: clinical testing. Allele origin: germline.
Comment: In summary, the available evidence is currently insufficient to determine the role of this variant in disease. Therefore, it has been classified as a Variant of Uncertain Significance. Algorithms developed to predict the effect of missense changes on protein structure and function (SIFT, PolyPhen-2, Align-GVGD) all suggest that this variant is likely to be disruptive, but these predictions have not been confirmed by published functional studies and their clinical significance is uncertain. This variant has not been reported in the literature in individuals with MPDZ-related conditions. This variant is not present in population databases (ExAC no frequency). This sequence change replaces serine with proline at codon 247 of the MPDZ protein (p.Ser247Pro). The serine residue is highly conserved and there is a moderate physicochemical difference between serine and proline.